The following is an entry in ClinVar:

ClinVar aggregate classification (germline): Likely benign. Review status: reviewed by expert panel (3 of 4 stars). 10 submissions from 10 submitters: Likely benign (1). 9 of the submissions do not count toward it. Last evaluated 2017-06-29.

Conditions:
BRCA2-related disorder. Also called: BRCA2-related condition; BRCA2-related disorders. Identifiers: MedGen CN239275.
Hereditary cancer-predisposing syndrome. Also called: Neoplastic Syndromes, Hereditary; Hereditary neoplastic syndrome; Hereditary Cancer Syndrome; Tumor predisposition. Identifiers: Orphanet 140162, MedGen C0027672, MeSH D009386, MONDO:0015356.
Familial cancer of breast. Also called: hereditary breast carcinoma; BREAST CANCER, FAMILIAL; Hereditary breast cancer. Identifiers: Orphanet 227535, MedGen C0346153, MONDO:0016419, OMIM 114480. Disease mechanism: loss of function.
Breast-ovarian cancer, familial, susceptibility to, 2 (BROVCA2). Also called: BRCA2 Hereditary Breast and Ovarian Cancer. Identifiers: Orphanet 145, MedGen C2675520, MONDO:0012933, OMIM 612555. Disease mechanism: loss of function.
Fanconi anemia complementation group D1. Also called: BRCA2-Related Fanconi Anemia. Identifiers: Orphanet 319462, MedGen C1838457, MONDO:0011584, OMIM 605724.
Medulloblastoma (MDB). Also called: Medulloblastoma, somatic; MEDULLOBLASTOMA PREDISPOSITION SYNDROME. Identifiers: Orphanet 616, MedGen C0025149, MeSH D008527, MONDO:0007959, OMIM 155255, HP:0002885.
Prostate cancer. Also called: Malignant tumor of prostate. Identifiers: Orphanet 1331, MedGen C0376358, MONDO:0008315, HP:0012125.
Wilms tumor 1 (WT1). Also called: Wilms tumor, somatic. Identifiers: Orphanet 654, MedGen CN033288, MONDO:0008679, OMIM 194070.
Pancreatic cancer, susceptibility to, 2. Identifiers: Orphanet 1333, MedGen C3150546, MONDO:0013235, OMIM 613347.
Glioma susceptibility 3 (GLM3). Also called: Glioblastoma 3. Identifiers: Orphanet 182067, Orphanet 360, MedGen C2751641, MONDO:0013093, OMIM 613029.
Hereditary breast ovarian cancer syndrome. Also called: BRCA1- and BRCA2-Associated Hereditary Breast and Ovarian Cancer; Hereditary breast and ovarian cancer syndrome; Hereditary breast and ovarian cancer syndrome (HBOC); Hereditary breast and ovarian cancer; Breast and ovarian cancer; Hereditary breast and/or ovarian cancer syndrome. Identifiers: Orphanet 145, MedGen C0677776, MeSH D061325, MONDO:0003582. Disease mechanism: loss of function.

Allele frequency attached by ClinVar (database versions not stated): gnomAD 0.00001; gnomAD exomes below 0.00001.
gnomAD v4.1: 7 of 1,613,962 alleles (0.00043%); highest among the groups gnomAD compares: Non-Finnish European, 0.00059%; no homozygotes.

Submissions (10):

Evidence-based Network for the Interpretation of Germline Mutant Alleles (ENIGMA)
Classification: Likely benign for Breast-ovarian cancer, familial, susceptibility to, 2. Last evaluated: 2017-06-29. Review status: reviewed by expert panel. Criteria: ENIGMA BRCA1/2 Classification Criteria (2017-06-29). Collection method: curation. Allele origin: germline.
Comment: Synonymous substitution variant, with low bioinformatic likelihood to result in a splicing aberration (Splicing prior probability 0.02).

Labcorp Genetics (formerly Invitae), Labcorp
Classification: Likely benign for Hereditary breast ovarian cancer syndrome. Last evaluated: 2025-08-11. Review status: criteria provided, single submitter. Criteria: Invitae Variant Classification Sherloc (09022015). Collection method: clinical testing. Allele origin: germline. Not counted in ClinVar's aggregate classification.

All of Us Research Program, National Institutes of Health
Classification: Likely benign for Breast-ovarian cancer, familial, susceptibility to, 2. Last evaluated: 2023-11-02. Review status: criteria provided, single submitter. Criteria: ACMG Guidelines, 2015. Collection method: clinical testing. Allele origin: germline. Inheritance: Autosomal dominant inheritance. Observed: 2 variant alleles, 2 heterozygotes. Not counted in ClinVar's aggregate classification.
Comment: This study involves interpretation of variants in research participants for the purpose of population health screening. Participant phenotype was not available at the time of variant classification. Additional details can be found in publication PMID: 35346344, PMCID: PMC8962531

Fulgent Genetics
Classification: Likely benign for Familial cancer of breast; Medulloblastoma; Familial prostate cancer; Wilms tumor 1; Fanconi anemia complementation group D1; Breast-ovarian cancer, familial, susceptibility to, 2; Glioma susceptibility 3; Pancreatic cancer, susceptibility to, 2. Last evaluated: 2021-07-14. Review status: criteria provided, single submitter. Criteria: ACMG Guidelines, 2015. Collection method: clinical testing. Allele origin: unknown. Not counted in ClinVar's aggregate classification.

Quest Diagnostics Nichols Institute San Juan Capistrano
Classification: Likely benign. Last evaluated: 2019-10-26. Review status: criteria provided, single submitter. Criteria: Quest Diagnostics criteria. Collection method: clinical testing. Allele origin: unknown. Not counted in ClinVar's aggregate classification.

Women's Health and Genetics/Laboratory Corporation of America, LabCorp
Classification: Likely benign. Last evaluated: 2019-08-21. Review status: criteria provided, single submitter. Criteria: LabCorp Variant Classification Summary - May 2015. Collection method: clinical testing. Allele origin: germline. Not counted in ClinVar's aggregate classification.

GeneDx
Classification: Likely benign. Last evaluated: 2017-10-23. Review status: criteria provided, single submitter. Criteria: GeneDx Variant Classification (06012015). Collection method: clinical testing. Allele origin: germline. Affected: yes. Not counted in ClinVar's aggregate classification.
Comment: This variant is considered likely benign or benign based on one or more of the following criteria: it is a conservative change, it occurs at a poorly conserved position in the protein, it is predicted to be benign by multiple in silico algorithms, and/or has population frequency not consistent with disease.

Color Diagnostics, LLC DBA Color Health
Classification: Likely benign for Hereditary cancer-predisposing syndrome. Last evaluated: 2017-02-10. Review status: criteria provided, single submitter. Criteria: ACMG Guidelines, 2015. Collection method: clinical testing. Allele origin: germline. Not counted in ClinVar's aggregate classification.

Ambry Genetics
Classification: Likely benign for Hereditary cancer-predisposing syndrome. Last evaluated: 2014-09-18. Review status: criteria provided, single submitter. Criteria: Ambry Variant Classification Scheme 2023. Collection method: clinical testing. Allele origin: germline. Not counted in ClinVar's aggregate classification.

PreventionGenetics, part of Exact Sciences
Classification: Likely benign for BRCA2-related condition. Last evaluated: 2023-09-19. Review status: no assertion criteria provided. Collection method: clinical testing. Allele origin: germline. Not counted in ClinVar's aggregate classification.
Comment: This variant is classified as likely benign based on ACMG/AMP sequence variant interpretation guidelines (Richards et al. 2015 PMID: 25741868, with internal and published modifications).

NM_000059.4(BRCA2):c.1179T>C (p.Cys393=)

Gene: BRCA2 (BRCA2 DNA repair associated; plus strand). Cytogenetic location: 13q13.1.
Variant type: single nucleotide variant.
Coding change: c.1179T>C on transcript NM_000059.4 (MANE Select); coding-DNA position 1179, T replaced by C.
Protein change: p.Cys393=; no amino-acid change (cysteine 393 retained).
Molecular consequence: synonymous variant.
Genome position (GRCh38, 1-based): chr13:32,332,657, T>C. VCF-style: chr13-32332657-T-C. GRCh37 (hg19) VCF-style: chr13-32906794-T-C.
Identifiers: ClinVar variation 184036 (VCV000184036.27), dbSNP rs786201237, ClinGen allele CA011051.